The following is an entry in ClinVar:

ClinVar aggregate classification (germline): Uncertain significance. Review status: criteria provided, multiple submitters, no conflicts (2 of 4 stars). 4 submissions from 4 submitters: Uncertain significance (2). 2 of the submissions do not count toward it. Last evaluated 2020-07-14.

Conditions:
Sudden cardiac death (SCD). Also called: Sudden adult death syndrome. Identifiers: MedGen C0085298, MeSH D016757, HP:0001645.
Cardiac arrhythmia. Also called: Cardiac rhythm disease; Arrhythmia. Identifiers: MedGen C0003811, MONDO:0007263, HP:0011675.

Allele frequency attached by ClinVar (database versions not stated): gnomAD 0.00001.
gnomAD v4.1: 3 of 1,614,104 alleles (0.00019%); highest among the groups gnomAD compares: Non-Finnish European, 0.00025%; no homozygotes.

Submissions (4):

Centre of Medical Genetics, University of Antwerp
Classification: Uncertain significance for Sudden Cardiac Death. Last evaluated: 2020-07-14. Review status: criteria provided, single submitter. Criteria: ACMG Guidelines, 2015. Collection method: clinical testing. Allele origin: maternal. Affected: yes.
Comment: BS3

Color Diagnostics, LLC DBA Color Health
Classification: Uncertain significance for Cardiac arrhythmia. Last evaluated: 2020-01-08. Review status: criteria provided, single submitter. Criteria: ACMG Guidelines, 2015. Collection method: clinical testing. Allele origin: germline.
Comment: This missense variant replaces asparagine with lysine at codon 483 of the KCNQ1 protein. Computational prediction tool is inconclusive regarding the impact of this variant on protein structure and function (internally defined REVEL score threshold 0.5 < inconclusive < 0.7, PMID: 27666373). Splice site prediction tools suggest that this variant may not impact RNA splicing. To our knowledge, functional studies have not been performed for this variant. This variant has not been reported in individuals affected with cardiovascular disorders in the literature. This variant has not been identified in the general population by the Genome Aggregation Database (gnomAD). The available evidence is insufficient to determine the role of this variant in disease conclusively. Therefore, this variant is classified as a Variant of Uncertain Significance.

Clinical Genetics, Academic Medical Center
Classification: Uncertain significance. Review status: no assertion criteria provided. Collection method: clinical testing. Allele origin: germline. Affected: yes. Study: VKGL Data-share Consensus. Not counted in ClinVar's aggregate classification.

Laboratory of Diagnostic Genome Analysis, Leiden University Medical Center (LUMC)
Classification: Uncertain significance. Review status: no assertion criteria provided. Collection method: clinical testing. Allele origin: germline. Affected: yes. Study: VKGL Data-share Consensus. Not counted in ClinVar's aggregate classification.

NM_000218.3(KCNQ1):c.1449C>A (p.Asn483Lys)

Genes: KCNQ1 (potassium voltage-gated channel subfamily Q member 1; plus strand), KCNQ1OT1 (KCNQ1 opposite strand/antisense transcript 1; minus strand). Cytogenetic location: 11p15.5.
Variant type: single nucleotide variant.
Coding change: c.1449C>A on transcript NM_000218.3 (MANE Select); coding-DNA position 1449, C replaced by A.
Protein change: p.Asn483Lys; replaces asparagine 483 with lysine.
Molecular consequence: missense variant.
Genome position (GRCh38, 1-based): chr11:2,662,016, C>A. VCF-style: chr11-2662016-C-A. GRCh37 (hg19) VCF-style: chr11-2683246-C-A.
Other names: c.1353C>A, p.Asn451Lys (NM_001406836.1); c.1179C>A, p.Asn393Lys (NM_001406837.1); c.909C>A, p.Asn303Lys (NM_001406838.1); c.1068C>A, p.Asn356Lys (NM_181798.2); short protein forms N483K, N356K, N393K, N451K, N303K.
Identifiers: ClinVar variation 927801 (VCV000927801.11), dbSNP rs1849966701, ClinGen allele CA379479571.